The following is an entry in ClinVar:

NM_004960.4(FUS):c.1544G>T (p.Gly515Val)

Gene: FUS (FUS RNA binding protein; plus strand). Cytogenetic location: 16p11.2.
Variant type: single nucleotide variant.
Coding change: c.1544G>T on transcript NM_004960.4 (MANE Select); coding-DNA position 1544, G replaced by T.
Protein change: p.Gly515Val; replaces glycine 515 with valine.
Molecular consequence: missense variant. On other transcripts: non-coding transcript variant (1).
Genome position (GRCh38, 1-based): chr16:31,191,401, G>T. VCF-style: chr16-31191401-G-T. GRCh37 (hg19) VCF-style: chr16-31202722-G-T.
Other names: c.1541G>T, p.Gly514Val (NM_001170634.1); c.1532G>T, p.Gly511Val (NM_001170937.1); short protein forms G514V, G515V, G511V.
Identifiers: ClinVar variation 951492 (VCV000951492.11), dbSNP rs1307257028, ClinGen allele CA395677249.

ClinVar aggregate classification (germline): Uncertain significance. Review status: criteria provided, multiple submitters, no conflicts (2 of 4 stars). 2 submissions from 2 submitters: Uncertain significance (2). Last evaluated 2026-08-31.

Conditions:
Tremor, hereditary essential, 4 (ETM4). Identifiers: MedGen C3539195, MONDO:0013888, OMIM 614782.
Amyotrophic lateral sclerosis type 6. Also called: FUS-Related Amyotrophic Laterial Sclerosis; AMYOTROPHIC LATERAL SCLEROSIS 6 WITHOUT FRONTOTEMPORAL DEMENTIA; Amyotrophic lateral sclerosis 6, with or without frontotemporal dementia. Identifiers: Orphanet 275872, Orphanet 803, MedGen C2931786, MONDO:0011951, OMIM 608030.
FUS-related disorder. Also called: FUS-related condition.

Allele frequency attached by ClinVar (database versions not stated): gnomAD exomes below 0.00001; gnomAD 0.00001.
gnomAD v4.1: 5 of 1,611,680 alleles (0.00031%); highest among the groups gnomAD compares: African/African-American, 0.0013%; no homozygotes.

Submissions (2):

PreventionGenetics, part of Exact Sciences
Classification: Uncertain significance for FUS-related condition. Last evaluated: 2026-08-31. Review status: criteria provided, single submitter. Criteria: ACMG Guidelines, 2015. Collection method: clinical testing. Allele origin: germline.
Comment: The FUS c.1544G>T variant is predicted to result in the amino acid substitution p.Gly515Val. To our knowledge, this variant has not been reported in the literature. This variant is reported in 0.012% of alleles in individuals of African descent in gnomAD. At this time, the clinical significance of this variant is uncertain due to the absence of conclusive functional and genetic evidence.

Labcorp Genetics (formerly Invitae), Labcorp
Classification: Uncertain significance for Tremor, hereditary essential, 4; Amyotrophic lateral sclerosis type 6. Last evaluated: 2025-10-14. Review status: criteria provided, single submitter. Criteria: Invitae Variant Classification Sherloc (09022015). Collection method: clinical testing. Allele origin: germline.
Comment: This sequence change replaces glycine, which is neutral and non-polar, with valine, which is neutral and non-polar, at codon 515 of the FUS protein (p.Gly515Val). This variant is present in population databases (no rsID available, gnomAD 0.01%). This variant has not been reported in the literature in individuals affected with FUS-related conditions. ClinVar contains an entry for this variant (Variation ID: 951492). An algorithm developed to predict the effect of missense changes on protein structure and function (PolyPhen-2) suggests that this variant is likely to be disruptive. In summary, the available evidence is currently insufficient to determine the role of this variant in disease. Therefore, it has been classified as a Variant of Uncertain Significance.